The following is an entry in ClinVar:

ClinVar aggregate classification (germline): Uncertain significance (1 of 4 stars; one submission).

Conditions:
DDX41-related disorder. Also called: DDX41-related condition.

Submission:

PreventionGenetics, part of Exact Sciences
Classification: Uncertain significance for DDX41-related condition. Last evaluated: 2025-04-03. Review status: criteria provided, single submitter. Criteria: ACMG Guidelines, 2015. Collection method: clinical testing. Allele origin: germline.
Comment: The DDX41 c.871C>T variant is predicted to result in the amino acid substitution p.Leu291Phe. To our knowledge, this variant has not been reported in the literature or in a large population database (gnomAD), indicating this variant is rare. At the time of reporting, this variant is absent in ClinVar. At this time, the clinical significance of this variant is uncertain due to the absence of conclusive functional and genetic evidence.

NM_016222.4(DDX41):c.871C>T (p.Leu291Phe)

Gene: DDX41 (DEAD-box helicase 41; minus strand). Cytogenetic location: 5q35.3.
Variant type: single nucleotide variant.
Coding change: c.871C>T on transcript NM_016222.4 (MANE Select); coding-DNA position 871, C replaced by T.
Protein change: p.Leu291Phe; replaces leucine 291 with phenylalanine.
Molecular consequence: missense variant.
Genome position (GRCh38, 1-based): chr5:177,514,765, G>A on the plus strand (C>T on the coding strand, the complement: DDX41 is on the minus strand). VCF-style: chr5-177514765-G-A. GRCh37 (hg19) VCF-style: chr5-176941766-G-A.
Other names: c.493C>T, p.Leu165Phe (NM_001321732.2, NM_001321830.2); short protein forms L165F, L291F.
Identifiers: ClinVar variation 4998527 (VCV004998527.1).